The following is an entry in ClinVar:

NM_020822.3(KCNT1):c.2595-15C>T

Gene: KCNT1 (potassium sodium-activated channel subfamily T member 1; plus strand). Cytogenetic location: 9q34.3.
Variant type: single nucleotide variant.
Coding change: c.2595-15C>T on transcript NM_020822.3 (MANE Select); 15 bases into the intron before coding-DNA position 2595, C replaced by T.
Molecular consequence: intron variant.
Genome position (GRCh38, 1-based): chr9:135,778,673, C>T. VCF-style: chr9-135778673-C-T. GRCh37 (hg19) VCF-style: chr9-138670519-C-T.
Other names: c.2460-15C>T (NM_001272003.2).
Identifiers: ClinVar variation 507165 (VCV000507165.10), dbSNP rs1190489711, ClinGen allele CA591364903.

ClinVar aggregate classification (germline): Likely benign. Review status: criteria provided, multiple submitters, no conflicts (2 of 4 stars). 4 submissions from 3 submitters: Likely benign (4). Last evaluated 2025-12-08.

Conditions:
Autosomal dominant nocturnal frontal lobe epilepsy 5. Also called: Epilepsy, nocturnal frontal lobe, 5; CILIARY DYSKINESIA, PRIMARY, 28, WITHOUT SITUS INVERSUS; CILIARY DYSKINESIA, PRIMARY, 28, WITH SITUS INVERSUS; KCNT1-Related Epilepsy. Identifiers: Orphanet 98784, MedGen C3554306, MONDO:0014002, OMIM 615005.
Developmental and epileptic encephalopathy, 14 (DEE14). Also called: Early infantile epileptic encephalopathy 14. Identifiers: Orphanet 293181, MedGen C3554195, MONDO:0013989, OMIM 614959.

Allele frequency attached by ClinVar (database versions not stated): TOPMed below 0.00001; gnomAD 0.00001; gnomAD exomes 0.00001 and 0.00004.
gnomAD v4.1: 16 of 1,613,156 alleles (0.00099%); highest among the groups gnomAD compares: Admixed American, 0.013%; no homozygotes.

Submissions (4):

Labcorp Genetics (formerly Invitae), Labcorp
Classification: Likely benign for Autosomal dominant nocturnal frontal lobe epilepsy 5; Developmental and epileptic encephalopathy, 14. Last evaluated: 2025-12-08. Review status: criteria provided, single submitter. Criteria: Invitae Variant Classification Sherloc (09022015). Collection method: clinical testing. Allele origin: germline.

Genome-Nilou Lab
Classification: Likely benign for Developmental and epileptic encephalopathy, 14. Last evaluated: 2022-03-15. Review status: criteria provided, single submitter. Criteria: ACMG Guidelines, 2015. Collection method: clinical testing. Allele origin: germline. Affected: no.

Genome-Nilou Lab
Classification: Likely benign for Autosomal dominant nocturnal frontal lobe epilepsy 5. Last evaluated: 2022-03-15. Review status: criteria provided, single submitter. Criteria: ACMG Guidelines, 2015. Collection method: clinical testing. Allele origin: germline. Affected: no.

GeneDx
Classification: Likely benign. Last evaluated: 2017-02-03. Review status: criteria provided, single submitter. Criteria: GeneDx Variant Classification (06012015). Collection method: clinical testing. Allele origin: germline. Affected: yes.
Comment: This variant is considered likely benign or benign based on one or more of the following criteria: it is a conservative change, it occurs at a poorly conserved position in the protein, it is predicted to be benign by multiple in silico algorithms, and/or has population frequency not consistent with disease.